The following is an entry in ClinVar:

NM_000719.7(CACNA1C):c.2417T>C (p.Leu806Pro)

Gene: CACNA1C (calcium voltage-gated channel subunit alpha1 C; plus strand). Cytogenetic location: 12p13.33.
Variant type: single nucleotide variant.
Coding change: c.2417T>C on transcript NM_000719.7 (MANE Select); coding-DNA position 2417, T replaced by C.
Protein change: p.Leu806Pro; replaces leucine 806 with proline.
Molecular consequence: missense variant.
Genome position (GRCh38, 1-based): chr12:2,585,453, T>C. VCF-style: chr12-2585453-T-C. GRCh37 (hg19) VCF-style: chr12-2694619-T-C.
Other names: c.2417T>C, p.Leu806Pro (NM_001129827.2, NM_001129829.2, NM_001129830.3 and 18 more transcripts); c.2408T>C, p.Leu803Pro (NM_001129844.2); short protein forms L806P, L803P.
Identifiers: ClinVar variation 1043945 (VCV001043945.9), dbSNP rs2062057793, ClinGen allele CA383371777.

ClinVar aggregate classification (germline): Uncertain significance (1 of 4 stars; one submission).

Conditions:
Long QT syndrome (LQTS). Identifiers: MedGen C0023976, MeSH D008133, MONDO:0002442. Disease mechanism: loss of function. Inheritance: Various modes of inheritance.

Submission:

Labcorp Genetics (formerly Invitae), Labcorp
Classification: Uncertain significance for Long QT syndrome. Last evaluated: 2020-08-07. Review status: criteria provided, single submitter. Criteria: Invitae Variant Classification Sherloc (09022015). Collection method: clinical testing. Allele origin: germline.
Comment: In summary, the available evidence is currently insufficient to determine the role of this variant in disease. Therefore, it has been classified as a Variant of Uncertain Significance. Algorithms developed to predict the effect of missense changes on protein structure and function are either unavailable or do not agree on the potential impact of this missense change (SIFT: "Deleterious"; PolyPhen-2: "Possibly Damaging"; Align-GVGD: "Class C0"). This variant has not been reported in the literature in individuals with CACNA1C-related conditions. This variant is not present in population databases (ExAC no frequency). This sequence change replaces leucine with proline at codon 806 of the CACNA1C protein (p.Leu806Pro). The leucine residue is moderately conserved and there is a moderate physicochemical difference between leucine and proline.